The following is an entry in ClinVar:

NM_003470.3(USP7):c.15G>C (p.Gln5His)

Genes: USP7 (ubiquitin specific peptidase 7; minus strand), USP7-AS1 (USP7 antisense RNA 1; plus strand). Cytogenetic location: 16p13.2.
Variant type: single nucleotide variant.
Coding change: c.15G>C on transcript NM_003470.3 (MANE Select); coding-DNA position 15, G replaced by C.
Protein change: p.Gln5His; replaces glutamine 5 with histidine.
Molecular consequence: missense variant.
Genome position (GRCh38, 1-based): chr16:8,963,271, C>G on the plus strand (G>C on the coding strand, the complement: USP7 is on the minus strand). VCF-style: chr16-8963271-C-G. GRCh37 (hg19) VCF-style: chr16-9057128-C-G.
Other names: short protein forms Q5H.
Identifiers: ClinVar variation 4831752 (VCV004831752.1).
Genomic context (GRCh38, chr16:8,963,271, plus strand): 5'-CATCTCCATGTCCTCGGGCTCGCTCAACTGCTGCTCGCCCGCTTTCTGCTGCTGCTGCTG[C>G]TGCTGGTGGTTCATGTCGGCCGCGGCCTGGGCCTCGCCTGCGGCCGGGGGCCGGGGCTGC-3'
Protein context (NP_003461.2, residues 1-15): MNHQ[Gln5His]QQQQQKAGEQ

ClinVar aggregate classification (germline): Uncertain significance (1 of 4 stars; one submission).

Conditions:
Inborn genetic diseases. Identifiers: MedGen C0950123, MeSH D030342.

gnomAD v4.1: 18 of 1,349,726 alleles (0.0013%); highest among the groups gnomAD compares: Non-Finnish European, 0.0014%; no homozygotes.

Submission:

Ambry Genetics
Classification: Uncertain significance for Inborn genetic diseases. Last evaluated: 2026-01-21. Review status: criteria provided, single submitter. Criteria: Ambry Variant Classification Scheme 2023. Collection method: clinical testing. Allele origin: germline.
Comment: The c.15G>C (p.Q5H) alteration is located in exon 1 (coding exon 1) of the USP7 gene. This alteration results from a G to C substitution at nucleotide position 15, causing the glutamine (Q) at amino acid position 5 to be replaced by a histidine (H). Based on data from gnomAD, the C allele has an overall frequency of 0.001% (1/105676) total alleles studied. The highest observed frequency was 0.002% (1/42866) of European (non-Finnish) alleles. Based on insufficient or conflicting evidence, the clinical significance of this alteration remains unclear.